The following is an entry in ClinVar:

NM_025099.6(CTC1):c.1108G>C (p.Ala370Pro)

Gene: CTC1 (CST telomere replication complex component 1; minus strand). Cytogenetic location: 17p13.1.
Variant type: single nucleotide variant.
Coding change: c.1108G>C on transcript NM_025099.6 (MANE Select); coding-DNA position 1108, G replaced by C.
Protein change: p.Ala370Pro; replaces alanine 370 with proline.
Molecular consequence: missense variant. On other transcripts: non-coding transcript variant (1).
Genome position (GRCh38, 1-based): chr17:8,235,929, C>G on the plus strand (G>C on the coding strand, the complement: CTC1 is on the minus strand). VCF-style: chr17-8235929-C-G. GRCh37 (hg19) VCF-style: chr17-8139247-C-G.
Other names: c.1108G>C, p.Ala370Pro (NM_001411067.1); short protein forms A370P.
Identifiers: ClinVar variation 2870971 (VCV002870971.3), dbSNP rs771759195, ClinGen allele CA397987244.

ClinVar aggregate classification (germline): Uncertain significance (1 of 4 stars; one submission).

Conditions:
Dyskeratosis congenita. Identifiers: Orphanet 1775, MedGen C0265965, MONDO:0015780.

Submission:

Labcorp Genetics (formerly Invitae), Labcorp
Classification: Uncertain significance for Dyskeratosis congenita. Last evaluated: 2023-12-17. Review status: criteria provided, single submitter. Criteria: Invitae Variant Classification Sherloc (09022015). Collection method: clinical testing. Allele origin: germline.
Comment: This sequence change replaces alanine, which is neutral and non-polar, with proline, which is neutral and non-polar, at codon 370 of the CTC1 protein (p.Ala370Pro). This variant is not present in population databases (gnomAD no frequency). This variant has not been reported in the literature in individuals affected with CTC1-related conditions. Advanced modeling of protein sequence and biophysical properties (such as structural, functional, and spatial information, amino acid conservation, physicochemical variation, residue mobility, and thermodynamic stability) performed at Invitae indicates that this missense variant is expected to disrupt CTC1 protein function with a positive predictive value of 80%. In summary, the available evidence is currently insufficient to determine the role of this variant in disease. Therefore, it has been classified as a Variant of Uncertain Significance.